The following is an entry in ClinVar:

ClinVar aggregate classification (germline): Pathogenic/Likely pathogenic. Review status: criteria provided, multiple submitters, no conflicts (2 of 4 stars). 3 submissions from 3 submitters: Pathogenic (1); Likely pathogenic (2). Last evaluated 2024-06-03.

Conditions:
Hereditary cancer-predisposing syndrome. Also called: Hereditary neoplastic syndrome; Tumor predisposition; Neoplastic Syndromes, Hereditary; Hereditary Cancer Syndrome. Identifiers: Orphanet 140162, MedGen C0027672, MeSH D009386, MONDO:0015356.

Submissions (3):

Labcorp Genetics (formerly Invitae), Labcorp
Classification: Pathogenic. Last evaluated: 2024-06-03. Review status: criteria provided, single submitter. Criteria: Invitae Variant Classification Sherloc (09022015). Collection method: clinical testing. Allele origin: germline.
Comment: This sequence change replaces aspartic acid, which is acidic and polar, with valine, which is neutral and non-polar, at codon 189 of the FH protein (p.Asp189Val). This variant is not present in population databases (gnomAD no frequency). This missense change has been observed in individual(s) with autosomal dominant FH-related conditions (Invitae). ClinVar contains an entry for this variant (Variation ID: 418209). Advanced modeling of protein sequence and biophysical properties (such as structural, functional, and spatial information, amino acid conservation, physicochemical variation, residue mobility, and thermodynamic stability) performed at Invitae indicates that this missense variant is expected to disrupt FH protein function with a positive predictive value of 95%. RNA analysis performed to evaluate the impact of this missense change on mRNA splicing indicates it does not significantly alter splicing (Invitae). This variant disrupts the p.Asp189 amino acid residue in FH. Other variant(s) that disrupt this residue have been observed in individuals with FH-related conditions (PMID: 32376712; Invitae), which suggests that this may be a clinically significant amino acid residue. For these reasons, this variant has been classified as Pathogenic.

Ambry Genetics
Classification: Likely pathogenic for Hereditary cancer-predisposing syndrome. Last evaluated: 2023-03-23. Review status: criteria provided, single submitter. Criteria: Ambry Variant Classification Scheme 2023. Collection method: clinical testing. Allele origin: germline.
Comment: The p.D189V variant (also known as c.566A>T), located in coding exon 5 of the FH gene, results from an A to T substitution at nucleotide position 566. The aspartic acid at codon 189 is replaced by valine, an amino acid with highly dissimilar properties. This alteration has been observed in at least one individual with a personal and/or family history that is consistent with FH-related disease (Ambry internal data). Based on internal structural analysis, D189V disrupts the active site of FH, near other pathogenic variants that similarly disrupt substrate binding (Ambry internal data; Ajalla Aleixo MA et al. FEBS J 2019 05;286(10):1925-1940; Picaud S et al. J Inherit Metab Dis 2011 Jun;34(3):671-6). This amino acid position is highly conserved in available vertebrate species. In addition, this alteration is predicted to be deleterious by in silico analysis. Based on the majority of available evidence to date, this variant is likely to be pathogenic.

GeneDx
Classification: Likely pathogenic. Last evaluated: 2015-07-17. Review status: criteria provided, single submitter. Criteria: GeneDx Variant Classification (06012015). Collection method: clinical testing. Allele origin: germline. Affected: yes.
Comment: The D189V variant has not been published as a mutation, nor has it been reported as a benign polymorphism to our knowledge. The D189V variant was not observed in approximately 6500 individuals of European and African American ancestry in the NHLBI Exome Sequencing Project, indicating it is not a common benign variant in these populations. The D189V variant is a non-conservative amino acid substitution, which is likely to impact secondary protein structure as these residues differ in polarity, charge, size and/or other properties. This substitution occurs at a position that is conserved across species. In silico analysis predicts this variant is probably damaging to the protein structure/function. Missense variants in nearby residues (N188D/S, S187L, Q185R) have been reported in the Human Gene Mutation Database in association with HLRCC (Stenson et al., 2014), supporting the functional importance of this region of the protein. Therefore, this variant is a strong candidate for a pathogenic variant, however the possibility that it is a benign variant cannot be excluded.

Literature cited by the submitters: PubMed 32376712 (cited by Labcorp Genetics (formerly Invitae), Labcorp); PubMed 21445611 (cited by Ambry Genetics); PubMed 30761759 (cited by Ambry Genetics).

NM_000143.4(FH):c.566A>T (p.Asp189Val)

Gene: FH (fumarate hydratase; minus strand). Cytogenetic location: 1q43.
Variant type: single nucleotide variant.
Coding change: c.566A>T on transcript NM_000143.4 (MANE Select); coding-DNA position 566, A replaced by T.
Protein change: p.Asp189Val; replaces aspartic acid 189 with valine.
Molecular consequence: missense variant.
Genome position (GRCh38, 1-based): chr1:241,508,775, T>A on the plus strand (A>T on the coding strand, the complement: FH is on the minus strand). VCF-style: chr1-241508775-T-A. GRCh37 (hg19) VCF-style: chr1-241672075-T-A.
Other names: short protein forms D189V.
Identifiers: ClinVar variation 418209 (VCV000418209.8), dbSNP rs1064793125, ClinGen allele CA16617118.